The following is an entry in ClinVar:

ClinVar aggregate classification (germline): Uncertain significance (1 of 4 stars; one submission).

Conditions:
TTN-related disorder. Also called: TTN-related condition; TTN-related disease; TTN-related disorders.

Allele frequency attached by ClinVar (database versions not stated): gnomAD exomes below 0.00001; TOPMed below 0.00001; ExAC 0.00002; gnomAD 0.00002.
gnomAD v4.1: 11 of 1,613,558 alleles (0.00068%); highest among the groups gnomAD compares: South Asian, 0.0044%; no homozygotes.

Submission:

PreventionGenetics, part of Exact Sciences
Classification: Uncertain significance for TTN-related condition. Last evaluated: 2026-07-18. Review status: criteria provided, single submitter. Criteria: ACMG Guidelines, 2015. Collection method: clinical testing. Allele origin: germline.
Comment: The TTN c.39128T>C variant is predicted to result in the amino acid substitution p.Val13043Ala. To our knowledge, this variant has not been reported in the literature. This variant is reported in 0.0065% of alleles in individuals of South Asian descent in gnomAD. At this time, the clinical significance of this variant is uncertain due to the absence of conclusive functional and genetic evidence.

NM_001267550.2(TTN):c.39128T>C (p.Val13043Ala)

Gene: TTN (titin; minus strand). Cytogenetic location: 2q31.2.
Variant type: single nucleotide variant.
Coding change: c.39128T>C on transcript NM_001267550.2 (MANE Select); coding-DNA position 39128, T replaced by C.
Protein change: p.Val13043Ala; replaces valine 13043 with alanine.
Molecular consequence: missense variant. On other transcripts: intron variant (3).
Genome position (GRCh38, 1-based): chr2:178,652,347, A>G on the plus strand (T>C on the coding strand, the complement: TTN is on the minus strand). VCF-style: chr2-178652347-A-G. GRCh37 (hg19) VCF-style: chr2-179517074-A-G.
Other names: c.34607T>C, p.Val11536Ala (NM_001256850.1); c.31826T>C, p.Val10609Ala (NM_133378.4); c.13283-10030T>C (NM_003319.4); c.13859-10030T>C (NM_133437.4); c.13658-10030T>C (NM_133432.3); short protein forms V10609A, V11536A, V13043A.
Identifiers: ClinVar variation 3039190 (VCV003039190.3), dbSNP rs765004657, ClinGen allele CA1996842.
Genomic context (GRCh38, chr2:178,652,347, plus strand): 5'-TTTTTAGGAGGAGGCACTGGCACTTTCTTTTCAGGAACAACTTCTTTGGGAGCCTCAGGC[A>G]CTTGAAAGATAATAGTGAAATTACATTTAGGCATTATGAAGACCACTAGAAAAATACTTT-3'
Protein context (NP_001254479.2, residues 13033-13053): PKKPEVTPVK[Val13043Ala]PEAPKEVVPE